The following is an entry in ClinVar:

ClinVar aggregate classification (germline): Uncertain significance (1 of 4 stars; one submission).

Conditions:
Candidiasis, familial, 8 (CANDF8). Identifiers: Orphanet 1334, MedGen C3714992, MONDO:0014230, OMIM 615527.

Allele frequency attached by ClinVar (database versions not stated): ExAC 0.00001; gnomAD 0.00001; gnomAD exomes 0.00001.
gnomAD v4.1: 4 of 1,485,996 alleles (0.00027%); highest among the groups gnomAD compares: Admixed American, 0.0093%; no homozygotes.

Submission:

Labcorp Genetics (formerly Invitae), Labcorp
Classification: Uncertain significance for Candidiasis, familial, 8. Last evaluated: 2022-07-06. Review status: criteria provided, single submitter. Criteria: Invitae Variant Classification Sherloc (09022015). Collection method: clinical testing. Allele origin: germline.
Comment: In summary, the available evidence is currently insufficient to determine the role of this variant in disease. Therefore, it has been classified as a Variant of Uncertain Significance. Algorithms developed to predict the effect of sequence changes on RNA splicing suggest that this variant may create or strengthen a splice site. Algorithms developed to predict the effect of missense changes on protein structure and function (SIFT, PolyPhen-2, Align-GVGD) all suggest that this variant is likely to be tolerated. This variant has not been reported in the literature in individuals affected with TRAF3IP2-related conditions. This variant is present in population databases (rs773341263, gnomAD 0.01%). This sequence change replaces proline, which is neutral and non-polar, with threonine, which is neutral and polar, at codon 276 of the TRAF3IP2 protein (p.Pro276Thr).

NM_147686.4(TRAF3IP2):c.826C>A (p.Pro276Thr)

Genes: TRAF3IP2 (TRAF3 interacting protein 2; minus strand), TRAF3IP2-AS1 (TRAF3IP2 antisense RNA 1; plus strand), LOC114803478 (TRAF3IP2 eExon liver enhancer; plus strand). Cytogenetic location: 6q21.
Variant type: single nucleotide variant.
Coding change: c.826C>A on transcript NM_147686.4 (MANE Select); coding-DNA position 826, C replaced by A.
Protein change: p.Pro276Thr; replaces proline 276 with threonine.
Molecular consequence: missense variant.
Genome position (GRCh38, 1-based): chr6:111,591,261, G>T on the plus strand (C>A on the coding strand, the complement: TRAF3IP2 is on the minus strand). VCF-style: chr6-111591261-G-T. GRCh37 (hg19) VCF-style: chr6-111912464-G-T.
Other names: c.826C>A, p.Pro276Thr (NM_001164281.3); c.853C>A, p.Pro285Thr (NM_147200.3); short protein forms P285T, P276T.
Identifiers: ClinVar variation 2082253 (VCV002082253.2), dbSNP rs773341263, ClinGen allele CA3963251.